The following is an entry in ClinVar:

ClinVar aggregate classification (germline): Conflicting classifications of pathogenicity. Review status: criteria provided, conflicting classifications (1 of 4 stars). 2 submissions from 2 submitters: Uncertain significance (1); Likely benign (1). Last evaluated 2023-11-15.

Allele frequency attached by ClinVar (database versions not stated): gnomAD 0.00001 and 0.00003; gnomAD exomes 0.00003; ExAC 0.00004; TOPMed 0.00006; ESP Exome Variant Server 0.00017.
gnomAD v4.1: 43 of 1,612,956 alleles (0.0027%); highest among the groups gnomAD compares: Admixed American, 0.01%; no homozygotes.

Submissions (2):

Blueprint Genetics
Classification: Likely benign. Last evaluated: 2023-11-15. Review status: criteria provided, single submitter. Criteria: ACMG Guidelines, 2015. Collection method: clinical testing. Allele origin: germline.

GeneDx
Classification: Uncertain significance. Last evaluated: 2014-04-02. Review status: criteria provided, single submitter. Criteria: GeneDx Variant Classification (06012015). Collection method: clinical testing. Allele origin: germline. Affected: yes.
Comment: Missense variants in the TTN gene are considered 'unclassified' if they are not previously reported in the literature and do not have >1% frequency in the population to be considered a polymorphism. Research indicates that truncating mutations in the TTN gene are expected to account for approximately 25% of familial and 18% of sporadic idiopathic DCM; however, truncating variants in the TTN gene have been reported in approximately 3% of reported control alleles. There has been little investigation into non-truncating variants. (Herman D et al. Truncations of titin causing dilated cardiomyopathy. N Eng J Med 366:619-628, 2012) The variant is found in CARDIOMYOPATHY panel(s).

NM_001267550.2(TTN):c.61096T>A (p.Cys20366Ser)

Genes: TTN (titin; minus strand), TTN-AS1 (TTN antisense RNA 1; plus strand). Cytogenetic location: 2q31.2.
Variant type: single nucleotide variant.
Coding change: c.61096T>A on transcript NM_001267550.2 (MANE Select); coding-DNA position 61096, T replaced by A.
Protein change: p.Cys20366Ser; replaces cysteine 20366 with serine.
Molecular consequence: missense variant.
Genome position (GRCh38, 1-based): chr2:178,590,629, A>T on the plus strand (T>A on the coding strand, the complement: TTN is on the minus strand). VCF-style: chr2-178590629-A-T. GRCh37 (hg19) VCF-style: chr2-179455356-A-T.
Other names: p.C18725S:TGC>AGC; c.56173T>A, p.Cys18725Ser (NM_001256850.1); c.33901T>A, p.Cys11301Ser (NM_003319.4); c.53392T>A, p.Cys17798Ser (NM_133378.4); c.34276T>A, p.Cys11426Ser (NM_133432.3); c.34477T>A, p.Cys11493Ser (NM_133437.4); short protein forms C18725S, C20366S, C11426S, C11493S, C17798S, C11301S.
Identifiers: ClinVar variation 202754 (VCV000202754.3), dbSNP rs200101317, ClinGen allele CA310182.